The following is an entry in ClinVar:

NM_001308093.3(GATA4):c.400A>T (p.Ser134Cys)

Gene: GATA4 (GATA binding protein 4). Cytogenetic location: 8p23.1.
Variant type: single nucleotide variant.
Coding change: c.400A>T on transcript NM_001308093.3 (MANE Select); coding-DNA position 400, A replaced by T.
Protein change: p.Ser134Cys; replaces serine 134 with cysteine.
Molecular consequence: missense variant. On other transcripts: intron variant (3).
Genome position (GRCh38, 1-based): chr8:11,708,712, A>T. VCF-style: chr8-11708712-A-T. GRCh37 (hg19) VCF-style: chr8-11566221-A-T.
Other names: c.400A>T, p.Ser134Cys (NM_002052.5); c.-6+7934A>T (NM_001308094.2); c.-3+698A>T (NM_001374274.1); c.-3+4408A>T (NM_001374273.1); short protein forms S134C.
Identifiers: ClinVar variation 1200120 (VCV001200120.13), dbSNP rs1295769704, ClinGen allele CA370309543.

ClinVar aggregate classification (germline): Conflicting classifications of pathogenicity. Review status: criteria provided, conflicting classifications (1 of 4 stars). 4 submissions from 4 submitters: Uncertain significance (3); Likely benign (1). Last evaluated 2025-02-16.

Conditions:
Cardiovascular phenotype. Identifiers: MedGen CN230736.
Atrioventricular septal defect 4 (AVSD4). Identifiers: MedGen C3280781, MONDO:0013747, OMIM 614430.

Allele frequency attached by ClinVar (database versions not stated): gnomAD exomes below 0.00001.
gnomAD v4.1: 4 of 1,269,806 alleles (0.00032%); highest among the groups gnomAD compares: Non-Finnish European, 0.0003%; no homozygotes.

Submissions (4):

Laboratory of Genetics, Children's Clinical University Hospital Latvia
Classification: Likely benign. Last evaluated: 2025-02-16. Review status: criteria provided, single submitter. Criteria: ACMG Guidelines, 2015. Collection method: clinical testing. Allele origin: germline. Affected: yes.

Labcorp Genetics (formerly Invitae), Labcorp
Classification: Uncertain significance for Atrioventricular septal defect 4. Last evaluated: 2025-01-20. Review status: criteria provided, single submitter. Criteria: Invitae Variant Classification Sherloc (09022015). Collection method: clinical testing. Allele origin: germline.
Comment: This sequence change replaces serine, which is neutral and polar, with cysteine, which is neutral and slightly polar, at codon 134 of the GATA4 protein (p.Ser134Cys). This variant is not present in population databases (gnomAD no frequency). This variant has not been reported in the literature in individuals affected with GATA4-related conditions. ClinVar contains an entry for this variant (Variation ID: 1200120). Invitae Evidence Modeling of protein sequence and biophysical properties (such as structural, functional, and spatial information, amino acid conservation, physicochemical variation, residue mobility, and thermodynamic stability) has been performed for this missense variant. However, the output from this modeling did not meet the statistical confidence thresholds required to predict the impact of this variant on GATA4 protein function. In summary, the available evidence is currently insufficient to determine the role of this variant in disease. Therefore, it has been classified as a Variant of Uncertain Significance.

Ambry Genetics
Classification: Uncertain significance for Cardiovascular phenotype. Last evaluated: 2023-11-30. Review status: criteria provided, single submitter. Criteria: Ambry Variant Classification Scheme 2023. Collection method: clinical testing. Allele origin: germline.
Comment: The p.S134C variant (also known as c.400A>T), located in coding exon 1 of the GATA4 gene, results from an A to T substitution at nucleotide position 400. The serine at codon 134 is replaced by cysteine, an amino acid with dissimilar properties. This amino acid position is conserved. In addition, the in silico prediction for this alteration is inconclusive. Since supporting evidence is limited at this time, the clinical significance of this alteration remains unclear.

GeneDx
Classification: Uncertain significance. Last evaluated: 2020-08-28. Review status: criteria provided, single submitter. Criteria: GeneDx Variant Classification Process June 2021. Collection method: clinical testing. Allele origin: germline. Affected: yes.
Comment: In silico analysis supports that this missense variant does not alter protein structure/function; Has not been previously published as pathogenic or benign to our knowledge